The following is an entry in ClinVar:

NM_000518.5(HBB):c.*91G>A

Genes: HBB (hemoglobin subunit beta; minus strand), LOC107133510 (origin of replication at HBB; plus strand), LOC110006319 (beta-globin gene 3' regulatory region; plus strand). Cytogenetic location: 11p15.4.
Variant type: single nucleotide variant.
Coding change: c.*91G>A on transcript NM_000518.5 (MANE Select); 91 bases downstream of the stop codon, G replaced by A.
Molecular consequence: 3 prime UTR variant.
Genome position (GRCh38, 1-based): chr11:5,225,507, C>T on the plus strand (G>A on the coding strand, the complement: HBB is on the minus strand). VCF-style: chr11-5225507-C-T. GRCh37 (hg19) VCF-style: chr11-5246737-C-T.
Identifiers: ClinVar variation 36330 (VCV000036330.7), dbSNP rs193922549, ClinGen allele CA342874.

ClinVar aggregate classification (germline): Uncertain significance. Review status: criteria provided, multiple submitters, no conflicts (2 of 4 stars). 2 submissions from 2 submitters: Uncertain significance (2). Last evaluated 2025-09-02.

Allele frequency attached by ClinVar (database versions not stated): TOPMed 0.00008; gnomAD 0.00007 and 0.00008; gnomAD exomes 0.00010.
gnomAD v4.1: 116 of 1,191,702 alleles (0.0097%); highest among the groups gnomAD compares: Admixed American, 0.013%; no homozygotes.

Submissions (2):

Women's Health and Genetics/Laboratory Corporation of America, LabCorp
Classification: Uncertain significance. Last evaluated: 2025-09-02. Review status: criteria provided, single submitter. Criteria: LabCorp Variant Classification Summary - May 2015. Collection method: clinical testing. Allele origin: germline.
Comment: Variant summary: HBB c.*91G>A is located in the untranslated mRNA region downstream of the termination codon. The variant allele was found at a frequency of 9.6e-05 in 31406 control chromosomes. The available data on variant occurrences in the general population are insufficient to allow any conclusion about variant significance. To our knowledge, no occurrence of c.*91G>A in individuals affected with HBB-related conditions and no experimental evidence demonstrating its impact on protein function have been reported. ClinVar contains an entry for this variant (Variation ID: 36330). Based on the evidence outlined above, the variant was classified as uncertain significance.

Quest Diagnostics Nichols Institute San Juan Capistrano
Classification: Uncertain significance. Last evaluated: 2023-10-04. Review status: criteria provided, single submitter. Criteria: Quest Diagnostics criteria. Collection method: clinical testing. Allele origin: unknown.